The following is an entry in ClinVar:

NM_001134363.3(RBM20):c.3574-7T>G

Gene: RBM20 (RNA binding motif protein 20; plus strand). Cytogenetic location: 10q25.2.
Variant type: single nucleotide variant.
Coding change: c.3574-7T>G on transcript NM_001134363.3 (MANE Select); 7 bases into the intron before coding-DNA position 3574, T replaced by G.
Molecular consequence: intron variant.
Genome position (GRCh38, 1-based): chr10:110,835,861, T>G. VCF-style: chr10-110835861-T-G. GRCh37 (hg19) VCF-style: chr10-112595619-T-G.
Identifiers: ClinVar variation 44013 (VCV000044013.25), dbSNP rs397516616, ClinGen allele CA133377.

ClinVar aggregate classification (germline): Conflicting classifications of pathogenicity. Review status: criteria provided, conflicting classifications (1 of 4 stars). 5 submissions from 5 submitters: Uncertain significance (2); Likely benign (3). Last evaluated 2026-01-18.

Conditions:
Cardiomyopathy (CMYO). Also called: Cardiomyopathies. Identifiers: Orphanet 167848, MedGen C0878544, MONDO:0004994, HP:0001638. Inheritance: Various modes of inheritance.
Dilated cardiomyopathy 1DD (CMD1DD). Identifiers: Orphanet 154, MedGen C2750995, MONDO:0013168, OMIM 613172.

Allele frequency attached by ClinVar (database versions not stated): gnomAD exomes 0.00001 and 0.00013; TOPMed 0.00003; gnomAD 0.00006.
gnomAD v4.1: 189 of 1,550,612 alleles (0.012%); highest among the groups gnomAD compares: Non-Finnish European, 0.016%; no homozygotes.

Submissions (5):

Labcorp Genetics (formerly Invitae), Labcorp
Classification: Likely benign for Dilated cardiomyopathy 1DD. Last evaluated: 2026-01-18. Review status: criteria provided, single submitter. Criteria: Invitae Variant Classification Sherloc (09022015). Collection method: clinical testing. Allele origin: germline.

ARUP Laboratories, Molecular Genetics and Genomics, ARUP Laboratories
Classification: Uncertain significance for Dilated cardiomyopathy 1DD. Last evaluated: 2019-08-12. Review status: criteria provided, single submitter. Criteria: ARUP Molecular Germline Variant Investigation Process. Collection method: clinical testing. Allele origin: germline.
Comment: The RBM20 c.3574-7T>G variant (rs397516616), to our knowledge, is not reported in the medical literature but is reported in ClinVar (Variation ID: 44013). This variant is only observed on six alleles in the Genome Aggregation Database, indicating it is not a common polymorphism. This is an intronic variant in a weakly conserved nucleotide, but computational analyses (Alamut v.2.11) predict that this variant may impact splicing by weakening the nearby canonical acceptor splice site. However, without functional studies the effect on splicing is unknown. Due to limited information, the clinical significance of the c.3574-7T>G variant is uncertain at this time.

CHEO Genetics Diagnostic Laboratory, Children's Hospital of Eastern Ontario
Classification: Likely benign for Cardiomyopathy. Last evaluated: 2017-03-08. Review status: criteria provided, single submitter. Criteria: ACMG Guidelines, 2015. Collection method: clinical testing. Allele origin: germline. Study: Canadian Open Genetics Repository.

Laboratory for Molecular Medicine, Mass General Brigham Personalized Medicine
Classification: Uncertain significance. Last evaluated: 2012-07-02. Review status: criteria provided, single submitter. Criteria: LMM Criteria. Collection method: clinical testing. Allele origin: germline. Observed: 2 variant alleles.
Comment: The 3574-7T>G variant in RBM20 has not been reported in the literature nor previ ously identified by our laboratory. In addition, this variant has not been ident ified in large and broad populations by the NHLBI Exome Sequencing Project. This low frequency is consistent with a disease c ausing role but is insufficient to establish this with confidence. This variant is located in the 3' splice region, though computational tools do not suggest an impact to splicing. However, this information is not predictive enough to rule out pathogenicity. Additional information is needed to fully assess the clinical significance of the 3574-7T>G variant.

PreventionGenetics, part of Exact Sciences
Classification: Likely benign. Review status: criteria provided, single submitter. Criteria: ACMG Guidelines, 2015. Collection method: clinical testing. Allele origin: germline.